The following is an entry in ClinVar:

ClinVar aggregate classification (germline): Benign/Likely benign. Review status: criteria provided, multiple submitters, no conflicts (2 of 4 stars). 3 submissions from 3 submitters: Benign (2); Likely benign (1). Last evaluated 2025-12-10.

Allele frequency attached by ClinVar (database versions not stated): ESP Exome Variant Server 0.00351; gnomAD 0.00406 and 0.00423; 1000 Genomes Project 0.00459; TOPMed 0.00459; 1000 Genomes Project 30x 0.00547.
gnomAD v4.1: 1,306 of 1,613,914 alleles (0.081%); highest among the groups gnomAD compares: African/African-American, 1.4%; 7 homozygotes.

Submissions (3):

Labcorp Genetics (formerly Invitae), Labcorp
Classification: Benign. Last evaluated: 2025-12-10. Review status: criteria provided, single submitter. Criteria: Invitae Variant Classification Sherloc (09022015). Collection method: clinical testing. Allele origin: germline.

CeGaT Center for Human Genetics Tuebingen
Classification: Likely benign. Last evaluated: 2025-09-01. Review status: criteria provided, single submitter. Criteria: CeGaT Center For Human Genetics Tuebingen Variant Classification Criteria Version 2. Collection method: clinical testing. Allele origin: germline. Affected: yes. Observed: 1 variant allele.
Comment: TENM3: BP4, BS1

Breakthrough Genomics
Classification: Benign. Review status: criteria provided, single submitter. Criteria: ACMG Guidelines, 2015. Collection method: not provided. Allele origin: germline. Inheritance: Autosomal recessive inheritance. Affected: yes.

NM_001080477.4(TENM3):c.4746C>T (p.Asn1582=)

Gene: TENM3 (teneurin transmembrane protein 3; plus strand). Cytogenetic location: 4q35.1.
Variant type: single nucleotide variant.
Coding change: c.4746C>T on transcript NM_001080477.4 (MANE Select); coding-DNA position 4746, C replaced by T.
Protein change: p.Asn1582=; no amino-acid change (asparagine 1582 retained).
Molecular consequence: synonymous variant.
Genome position (GRCh38, 1-based): chr4:182,755,113, C>T. VCF-style: chr4-182755113-C-T. GRCh37 (hg19) VCF-style: chr4-183676266-C-T.
Identifiers: ClinVar variation 791250 (VCV000791250.17), dbSNP rs114002088, ClinGen allele CA3148471.